The following is an entry in ClinVar:

NM_000744.7(CHRNA4):c.1188C>T (p.Ser396=)

Gene: CHRNA4 (cholinergic receptor nicotinic alpha 4 subunit; minus strand). Cytogenetic location: 20q13.33.
Variant type: single nucleotide variant.
Coding change: c.1188C>T on transcript NM_000744.7 (MANE Select); coding-DNA position 1188, C replaced by T.
Protein change: p.Ser396=; no amino-acid change (serine 396 retained).
Molecular consequence: synonymous variant. On other transcripts: non-coding transcript variant (1).
Genome position (GRCh38, 1-based): chr20:63,350,223, G>A on the plus strand (C>T on the coding strand, the complement: CHRNA4 is on the minus strand). VCF-style: chr20-63350223-G-A. GRCh37 (hg19) VCF-style: chr20-61981575-G-A.
Other names: c.660C>T, p.Ser220= (NM_001256573.2).
Identifiers: ClinVar variation 380377 (VCV000380377.12), dbSNP rs201164674, ClinGen allele CA9957641.

ClinVar aggregate classification (germline): Likely benign. Review status: criteria provided, multiple submitters, no conflicts (2 of 4 stars). 3 submissions from 3 submitters: Likely benign (3). Last evaluated 2025-05-05.

Conditions:
Familial sleep-related hypermotor epilepsy. Also called: Autosomal Dominant Sleep-Related Hypermotor (Hyperkinetic) Epilepsy. Identifiers: Orphanet 98784, MedGen C3696898, MONDO:0000030.

Allele frequency attached by ClinVar (database versions not stated): gnomAD exomes 0.00004; ExAC 0.00005; gnomAD 0.00005; ESP Exome Variant Server 0.00008; TOPMed 0.00008.
gnomAD v4.1: 61 of 1,607,010 alleles (0.0038%); highest among the groups gnomAD compares: Middle Eastern, 0.016%; no homozygotes.

Submissions (3):

Labcorp Genetics (formerly Invitae), Labcorp
Classification: Likely benign. Last evaluated: 2025-05-05. Review status: criteria provided, single submitter. Criteria: Invitae Variant Classification Sherloc (09022015). Collection method: clinical testing. Allele origin: germline.

Blueprint Genetics
Classification: Likely benign. Last evaluated: 2024-11-25. Review status: criteria provided, single submitter. Criteria: ACMG Guidelines, 2015. Collection method: clinical testing. Allele origin: germline.

GeneDx
Classification: Likely benign. Last evaluated: 2016-03-28. Review status: criteria provided, single submitter. Criteria: GeneDx Variant Classification (06012015). Collection method: clinical testing. Allele origin: germline. Affected: yes.
Comment: This variant is considered likely benign or benign based on one or more of the following criteria: it is a conservative change, it occurs at a poorly conserved position in the protein, it is predicted to be benign by multiple in silico algorithms, and/or has population frequency not consistent with disease.